The following is an entry in ClinVar:

ClinVar aggregate classification (germline): Conflicting classifications of pathogenicity. Review status: criteria provided, conflicting classifications (1 of 4 stars). 3 submissions from 3 submitters: Uncertain significance (2); Likely benign (1). Last evaluated 2024-09-03.

Conditions:
Hereditary cancer-predisposing syndrome. Also called: Hereditary neoplastic syndrome; Neoplastic Syndromes, Hereditary; Hereditary Cancer Syndrome; Tumor predisposition. Identifiers: Orphanet 140162, MedGen C0027672, MeSH D009386, MONDO:0015356.
Familial cancer of breast. Also called: BREAST CANCER, FAMILIAL; Hereditary breast cancer; hereditary breast carcinoma. Identifiers: Orphanet 227535, MedGen C0346153, MONDO:0016419, OMIM 114480. Disease mechanism: loss of function.

Allele frequency attached by ClinVar (database versions not stated): gnomAD 0.00001; TOPMed 0.00002.
gnomAD v4.1: 3 of 1,614,040 alleles (0.00019%); highest among the groups gnomAD compares: Admixed American, 0.005%; no homozygotes.

Submissions (3):

Labcorp Genetics (formerly Invitae), Labcorp
Classification: Uncertain significance for Familial cancer of breast. Last evaluated: 2024-09-03. Review status: criteria provided, single submitter. Criteria: Invitae Variant Classification Sherloc (09022015). Collection method: clinical testing. Allele origin: germline.
Comment: This sequence change replaces glutamic acid, which is acidic and polar, with glutamine, which is neutral and polar, at codon 990 of the PALB2 protein (p.Glu990Gln). This variant is present in population databases (no rsID available, gnomAD 0.006%). This variant has not been reported in the literature in individuals affected with PALB2-related conditions. ClinVar contains an entry for this variant (Variation ID: 530026). An algorithm developed to predict the effect of missense changes on protein structure and function outputs the following: PolyPhen-2: "Possibly Damaging". The glutamine amino acid residue is found in multiple mammalian species, which suggests that this missense change does not adversely affect protein function. In summary, the available evidence is currently insufficient to determine the role of this variant in disease. Therefore, it has been classified as a Variant of Uncertain Significance.

Ambry Genetics
Classification: Likely benign for Hereditary cancer-predisposing syndrome. Last evaluated: 2024-02-28. Review status: criteria provided, single submitter. Criteria: Ambry Variant Classification Scheme 2023. Collection method: clinical testing. Allele origin: germline.

GeneDx
Classification: Uncertain significance. Last evaluated: 2021-06-09. Review status: criteria provided, single submitter. Criteria: GeneDx Variant Classification Process June 2021. Collection method: clinical testing. Allele origin: germline. Affected: yes.
Comment: Not observed at significant frequency in large population cohorts (Lek et al., 2016); In silico analysis supports that this missense variant does not alter protein structure/function; Has not been previously published as pathogenic or benign to our knowledge; This variant is associated with the following publications: (PMID: 27535533, 19609323, 20871615, 24485656)

NM_024675.4(PALB2):c.2968G>C (p.Glu990Gln)

Gene: PALB2 (partner and localizer of BRCA2; minus strand). Cytogenetic location: 16p12.2.
Variant type: single nucleotide variant.
Coding change: c.2968G>C on transcript NM_024675.4 (MANE Select); coding-DNA position 2968, G replaced by C.
Protein change: p.Glu990Gln; replaces glutamic acid 990 with glutamine.
Molecular consequence: missense variant.
Genome position (GRCh38, 1-based): chr16:23,622,997, C>G on the plus strand (G>C on the coding strand, the complement: PALB2 is on the minus strand). VCF-style: chr16-23622997-C-G. GRCh37 (hg19) VCF-style: chr16-23634318-C-G.
Other names: short protein forms E990Q.
Identifiers: ClinVar variation 530026 (VCV000530026.15), dbSNP rs876659036, ClinGen allele CA395143969.